The following is an entry in ClinVar:

ClinVar aggregate classification (germline): Pathogenic (1 of 4 stars; one submission).

Conditions:
Pyruvate carboxylase deficiency. Also called: LEIGH NECROTIZING ENCEPHALOPATHY DUE TO PYRUVATE CARBOXYLASE DEFICIENCY; LEIGH SYNDROME DUE TO PYRUVATE CARBOXYLASE DEFICIENCY; PC DEFICIENCY; Pyruvate Carboxylase Deficiency Disease; ATAXIA WITH LACTIC ACIDOSIS II. Identifiers: Orphanet 3008, MedGen C0034341, MONDO:0009949, OMIM 266150.

Submission:

Labcorp Genetics (formerly Invitae), Labcorp
Classification: Pathogenic for Pyruvate carboxylase deficiency. Last evaluated: 2025-07-31. Review status: criteria provided, single submitter. Criteria: Invitae Variant Classification Sherloc (09022015). Collection method: clinical testing. Allele origin: germline.
Comment: This sequence change creates a premature translational stop signal (p.Gln330*) in the PC gene. It is expected to result in an absent or disrupted protein product. Loss-of-function variants in PC are known to be pathogenic (PMID: 12112657, 19306334). This variant is not present in population databases (gnomAD no frequency). This variant has not been reported in the literature in individuals affected with PC-related conditions. For these reasons, this variant has been classified as Pathogenic.

Literature cited by the submitters: PubMed 12112657; PubMed 19306334.

NM_001040716.2(PC):c.988C>T (p.Gln330Ter)

Genes: PC (pyruvate carboxylase; minus strand), LOC130006142 (ATAC-STARR-seq lymphoblastoid active region 5058; plus strand). Cytogenetic location: 11q13.2.
Variant type: single nucleotide variant.
Coding change: c.988C>T on transcript NM_001040716.2 (MANE Select); coding-DNA position 988, C replaced by T.
Protein change: p.Gln330Ter; replaces glutamine 330 with a stop codon.
Molecular consequence: nonsense.
Genome position (GRCh38, 1-based): chr11:66,868,880, G>A on the plus strand (C>T on the coding strand, the complement: PC is on the minus strand). VCF-style: chr11-66868880-G-A. GRCh37 (hg19) VCF-style: chr11-66636351-G-A.
Other names: c.988C>T, p.Gln330Ter (NM_000920.4, NM_001439352.1, NM_001439353.1 and 5 more transcripts); short protein forms Q330*.
Identifiers: ClinVar variation 4799565 (VCV004799565.1).
Genomic context (GRCh38, chr11:66,868,880, plus strand): 5'-CGCCCCGCCTGCCCGCCCACACTCACTCGGTGATCTCCTCTGTGACCGTGTGCTCCACCT[G>A]CAGGCGGGAGTTGACCTCGATGAAGTAGTGCTTGCCGTGCCTGTCCACCAGGAACTCCAC-3'